The following is an entry in ClinVar:

NM_001318895.3(FHL2):c.157-12C>G

Genes: C2orf49 (chromosome 2 open reading frame 49; plus strand), FHL2 (four and a half LIM domains 2; minus strand). Cytogenetic location: 2q12.2.
Variant type: single nucleotide variant.
Coding change: c.157-12C>G on transcript NM_001318895.3 (MANE Select); 12 bases into the intron before coding-DNA position 157, C replaced by G.
Molecular consequence: intron variant.
Genome position (GRCh38, 1-based): chr2:105,373,745, G>C on the plus strand (C>G on the coding strand, the complement: FHL2 is on the minus strand). VCF-style: chr2-105373745-G-C. GRCh37 (hg19) VCF-style: chr2-105990202-G-C.
Other names: c.-11-6006C>G (NM_001318897.2, NM_001318898.2); c.157-12C>G (NM_001318896.2, NM_001039492.3, NM_001450.4 and 4 more transcripts); c.-168-12C>G (NM_001318899.2).
Identifiers: ClinVar variation 3775117 (VCV003775117.1).

ClinVar aggregate classification (germline): Uncertain significance (1 of 4 stars; one submission).

gnomAD v4.1: 76 of 1,613,272 alleles (0.0047%); highest among the groups gnomAD compares: East Asian, 0.17%; no homozygotes.

Submission:

Clinical Genomics Laboratory, Stanford Medicine
Classification: Uncertain significance. Last evaluated: 2022-09-13. Review status: criteria provided, single submitter. Criteria: ACMG Guidelines, 2015. Collection method: clinical testing. Allele origin: germline. Observed: 1 variant allele, 1 heterozygote.
Comment: The c.157-12C>G variant in the FHL2 gene has not been previously reported in association with disease.This variant has been identified in 4/18390 East Asian chromosomes by the Genome Aggregation Database. This variant occurs in the 3’ splice site and computational tools do not consistently predict an impact to splicing. However, the accuracy of these computational tools is limited. These data were assessed using the ACMG/AMP variant interpretation guidelines. In summary, the significance of the c.157-12C>G variant is uncertain. Additional information is needed to resolve the significance of this variant. In this case, neither pathogenic nor benign criteria could be applied to the variant, hence no ACMG codes were used, and the variant is a VUS. [ACMG evidence codes used: none]